The following is an entry in ClinVar:

NM_001853.4(COL9A3):c.72G>A (p.Gly24=)

Gene: COL9A3 (collagen type IX alpha 3 chain; plus strand). Cytogenetic location: 20q13.33.
Variant type: single nucleotide variant.
Coding change: c.72G>A on transcript NM_001853.4 (MANE Select); coding-DNA position 72, G replaced by A.
Protein change: p.Gly24=; no amino-acid change (glycine 24 retained).
Molecular consequence: synonymous variant.
Genome position (GRCh38, 1-based): chr20:62,817,136, G>A. VCF-style: chr20-62817136-G-A. GRCh37 (hg19) VCF-style: chr20-61448488-G-A.
Other names: c.72G>A, p.Gly24= (LRG_1253t1).
Identifiers: ClinVar variation 289663 (VCV000289663.14), dbSNP rs777240987, ClinGen allele CA9948989.

ClinVar aggregate classification (germline): Conflicting classifications of pathogenicity. Review status: criteria provided, conflicting classifications (1 of 4 stars). 3 submissions from 3 submitters: Uncertain significance (1); Likely benign (2). Last evaluated 2026-04-01.

Allele frequency attached by ClinVar (database versions not stated): ExAC below 0.00001; gnomAD 0.00001; TOPMed 0.00002; gnomAD exomes 0.00004.
gnomAD v4.1: 8 of 1,396,446 alleles (0.00057%); highest among the groups gnomAD compares: Admixed American, 0.015%; no homozygotes.

Submissions (3):

CeGaT Center for Human Genetics Tuebingen
Classification: Likely benign. Last evaluated: 2026-04-01. Review status: criteria provided, single submitter. Criteria: CeGaT Center For Human Genetics Tuebingen Variant Classification Criteria Version 2. Collection method: clinical testing. Allele origin: germline. Affected: yes. Observed: 1 variant allele.
Comment: COL9A3: BP4, BP7

Labcorp Genetics (formerly Invitae), Labcorp
Classification: Likely benign. Last evaluated: 2026-01-17. Review status: criteria provided, single submitter. Criteria: Invitae Variant Classification Sherloc (09022015). Collection method: clinical testing. Allele origin: germline.

Eurofins Ntd Llc (ga)
Classification: Uncertain significance. Last evaluated: 2016-07-28. Review status: criteria provided, single submitter. Criteria: EGL Classification Definitions 2015. Collection method: clinical testing. Allele origin: germline. Observed: 1 variant allele, 1 heterozygote.